The following is an entry in ClinVar:

NM_000090.4(COL3A1):c.2230G>C (p.Gly744Arg)

Gene: COL3A1 (collagen type III alpha 1 chain; plus strand). Cytogenetic location: 2q32.2.
Variant type: single nucleotide variant.
Coding change: c.2230G>C on transcript NM_000090.4 (MANE Select); coding-DNA position 2230, G replaced by C.
Protein change: p.Gly744Arg; replaces glycine 744 with arginine.
Molecular consequence: missense variant.
Genome position (GRCh38, 1-based): chr2:188,999,842, G>C. VCF-style: chr2-188999842-G-C. GRCh37 (hg19) VCF-style: chr2-189864568-G-C.
Other names: short protein forms G744R.
Identifiers: ClinVar variation 1426135 (VCV001426135.8), dbSNP rs2153503061, ClinGen allele CA349841107.

ClinVar aggregate classification (germline): Pathogenic (1 of 4 stars; one submission).

Conditions:
Ehlers-Danlos syndrome, type 4 (EDSVASC). Also called: Ehlers-Danlos syndrome vascular type; Ehlers Danlos syndrome, ecchymotic type; Ehlers Danlos syndrome, arterial type; Ehlers Danlos syndrome, Sack-Barabas type; Ehlers-Danlos Syndrome Type IV. Identifiers: Orphanet 286, MedGen C0268338, MONDO:0017314, OMIM 130050.

Submission:

Labcorp Genetics (formerly Invitae), Labcorp
Classification: Pathogenic for Ehlers-Danlos syndrome, type 4. Last evaluated: 2023-10-04. Review status: criteria provided, single submitter. Criteria: Invitae Variant Classification Sherloc (09022015). Collection method: clinical testing. Allele origin: germline.
Comment: This sequence change replaces glycine, which is neutral and non-polar, with arginine, which is basic and polar, at codon 744 of the COL3A1 protein (p.Gly744Arg). This variant is not present in population databases (gnomAD no frequency). This missense change has been observed in individual(s) with clinical features of vascular Ehlers-Danlos syndrome (Invitae). ClinVar contains an entry for this variant (Variation ID: 1426135). Experimental studies and prediction algorithms are not available or were not evaluated, and the functional significance of this variant is currently unknown. This variant disrupts the triple helix domain of COL3A1. Glycine residues within the Gly-Xaa-Yaa repeats of the triple helix domain are required for the structure and stability of fibrillar collagens (PMID: 7695699, 8218237, 19344236). In COL3A1, variants that affect these glycine residues are significantly enriched in individuals with disease (PMID: 24922459, 25758994) compared to the general population (ExAC). This variant disrupts the p.Gly744 amino acid residue in COL3A1. Other variant(s) that disrupt this residue have been observed in individuals with COL3A1-related conditions (PMID: 25758994), which suggests that this may be a clinically significant amino acid residue. For these reasons, this variant has been classified as Pathogenic.

Literature cited by the submitters: PubMed 7695699; PubMed 8218237; PubMed 19344236; PubMed 24922459; PubMed 25758994.